The following is an entry in ClinVar:

NM_198510.3(ITIH6):c.3338A>G (p.Glu1113Gly)

Gene: ITIH6 (inter-alpha-trypsin inhibitor heavy chain family member 6; minus strand). Cytogenetic location: Xp11.22.
Variant type: single nucleotide variant.
Coding change: c.3338A>G on transcript NM_198510.3 (MANE Select); coding-DNA position 3338, A replaced by G.
Protein change: p.Glu1113Gly; replaces glutamic acid 1113 with glycine.
Molecular consequence: missense variant.
Genome position (GRCh38, 1-based): chrX:54,753,665, T>C on the plus strand (A>G on the coding strand, the complement: ITIH6 is on the minus strand). VCF-style: chrX-54753665-T-C. GRCh37 (hg19) VCF-style: chrX-54780098-T-C.
Other names: short protein forms E1113G.
Identifiers: ClinVar variation 3111642 (VCV003111642.2), dbSNP rs148977476, ClinGen allele CA10425924.
Genomic context (GRCh38, chrX:54,753,665, plus strand): 5'-TATATCCAGCTTTGGTGTATGGTGATGGAGTTCTTGGGGCTCTTACCTGCCTTTGGGTCC[T>C]CTATGAGCTGCAGCAAGTCCCCAGGGTGCCCATTCAGTGTGAAGCAGATCTTCTCTTCTG-3'
Protein context (NP_940912.1, residues 1103-1123): GHPGDLLQLI[Glu1113Gly]DPKAGLHVSG

ClinVar aggregate classification (germline): Uncertain significance (1 of 4 stars; one submission).

Allele frequency attached by ClinVar (database versions not stated): ExAC 0.00001; gnomAD 0.00001; ESP Exome Variant Server 0.00009; TOPMed 0.00002.
gnomAD v4.1: 17 of 1,205,769 alleles (0.0014%); highest among the groups gnomAD compares: Admixed American, 0.0022%; no homozygotes.

Submission:

Ambry Genetics
Classification: Uncertain significance. Last evaluated: 2026-06-04. Review status: criteria provided, single submitter. Criteria: Ambry Variant Classification Scheme 2023. Collection method: clinical testing. Allele origin: germline.
Comment: The c.3338A>G (p.E1113G) alteration is located in exon 11 (coding exon 11) of the ITIH6 gene. This alteration results from a A to G substitution at nucleotide position 3338, causing the glutamic acid (E) at amino acid position 1113 to be replaced by a glycine (G). Based on data from gnomAD, the G allele has an overall frequency of 0.001% (2/183247) total alleles studied. The highest observed frequency was 0.002% (2/81792) of European (non-Finnish) alleles. Based on insufficient or conflicting evidence, the clinical significance of this alteration remains unclear.